The following is an entry in ClinVar:

NM_000051.4(ATM):c.653A>G (p.Gln218Arg)

Gene: ATM (ATM serine/threonine kinase; plus strand). Cytogenetic location: 11q22.3.
Variant type: single nucleotide variant.
Coding change: c.653A>G on transcript NM_000051.4 (MANE Select); coding-DNA position 653, A replaced by G.
Protein change: p.Gln218Arg; replaces glutamine 218 with arginine.
Molecular consequence: missense variant.
Genome position (GRCh38, 1-based): chr11:108,244,109, A>G. VCF-style: chr11-108244109-A-G. GRCh37 (hg19) VCF-style: chr11-108114836-A-G.
Other names: c.653A>G, p.Gln218Arg (NM_001351834.2); short protein forms Q218R.
Identifiers: ClinVar variation 481232 (VCV000481232.22), dbSNP rs1198686265, ClinGen allele CA382528568.

ClinVar aggregate classification (germline): Uncertain significance. Review status: criteria provided, multiple submitters, no conflicts (2 of 4 stars). 4 submissions from 4 submitters: Uncertain significance (3). 1 of the submissions does not count toward it. Last evaluated 2025-08-01.

Conditions:
Familial colorectal cancer type X. Identifiers: Orphanet 440437, MedGen C3896578, MONDO:0018604.
Hereditary cancer-predisposing syndrome. Also called: Hereditary neoplastic syndrome; Neoplastic Syndromes, Hereditary; Tumor predisposition; Hereditary Cancer Syndrome. Identifiers: Orphanet 140162, MedGen C0027672, MeSH D009386, MONDO:0015356.
Ataxia-telangiectasia syndrome (AT). Also called: LOUIS-BAR SYNDROME; Cerebello-oculocutaneous telangiectasia; Immunodeficiency with ataxia telangiectasia; AT, COMPLEMENTATION GROUP C; Ataxia-telangiectasia, complementation group D; ATAXIA-TELANGIECTASIA, COMPLEMENTATION GROUP A. Identifiers: Orphanet 100, MedGen C0004135, MONDO:0008840, OMIM 208900.

Submissions (4):

Ambry Genetics
Classification: Uncertain significance for Hereditary cancer-predisposing syndrome. Last evaluated: 2025-08-01. Review status: criteria provided, single submitter. Criteria: Ambry Variant Classification Scheme 2023. Collection method: clinical testing. Allele origin: germline.
Comment: The p.Q218R variant (also known as c.653A>G), located in coding exon 5 of the ATM gene, results from an A to G substitution at nucleotide position 653. The glutamine at codon 218 is replaced by arginine, an amino acid with highly similar properties. This variant was not reported in population based cohorts in the following databases: Database of Single Nucleotide Polymorphisms (dbSNP), NHLBI Exome Sequencing Project (ESP), and 1000 Genomes Project. In the ESP, this variant was not observed in 6499 samples (12998 alleles) with coverage at this position. To date, this alteration has been detected with an allele frequency of approximately 0.001% (greater than 125000 alleles tested) in our clinical cohort. This amino acid position is not well conserved in available vertebrate species. In addition, this alteration is predicted to be tolerated by in silico analysis. Since supporting evidence is limited at this time, the clinical significance of this alteration remains unclear.

Labcorp Genetics (formerly Invitae), Labcorp
Classification: Uncertain significance for Ataxia-telangiectasia syndrome. Last evaluated: 2025-05-26. Review status: criteria provided, single submitter. Criteria: Invitae Variant Classification Sherloc (09022015). Collection method: clinical testing. Allele origin: germline.
Comment: This sequence change replaces glutamine, which is neutral and polar, with arginine, which is basic and polar, at codon 218 of the ATM protein (p.Gln218Arg). This variant is not present in population databases (gnomAD no frequency). This variant has not been reported in the literature in individuals affected with ATM-related conditions. ClinVar contains an entry for this variant (Variation ID: 481232). Invitae Evidence Modeling of protein sequence and biophysical properties (such as structural, functional, and spatial information, amino acid conservation, physicochemical variation, residue mobility, and thermodynamic stability) indicates that this missense variant is not expected to disrupt ATM protein function with a negative predictive value of 95%. In summary, the available evidence is currently insufficient to determine the role of this variant in disease. Therefore, it has been classified as a Variant of Uncertain Significance.

Department of Pathology and Laboratory Medicine, Sinai Health System
Classification: Uncertain significance for Familial colorectal cancer type X. Last evaluated: 2023-03-02. Review status: criteria provided, single submitter. Criteria: ACMG Guidelines, 2015. Collection method: clinical testing. Allele origin: germline. Affected: yes.

Natera, Inc.
Classification: Uncertain significance for Ataxia-telangiectasia. Last evaluated: 2020-10-27. Review status: no assertion criteria provided. Collection method: clinical testing. Allele origin: germline. Not counted in ClinVar's aggregate classification.

Literature cited by the submitters: PubMed 33471991 (cited by Department of Pathology and Laboratory Medicine, Sinai Health System).